The following is an entry in ClinVar:

ClinVar aggregate classification (germline): Uncertain significance (1 of 4 stars; one submission).

Submission:

Dasa
Classification: Uncertain significance. Last evaluated: 2025-07-11. Review status: criteria provided, single submitter. Criteria: DASA Assertion Criteria. Collection method: clinical testing. Allele origin: germline.
Comment: NM_005994.4(TBX2):c.1696A>C (p.Met566Leu) is a missense variant that results in the substitution of methionine with leucine. This variant is absent from population databases. The currently available literature and clinical evidence are not sufficient to establish a definitive association between this variant and the reported condition. Therefore, this variant is classified as a variant of uncertain significance.

NM_005994.4(TBX2):c.1696A>C (p.Met566Leu)

Gene: TBX2 (T-box transcription factor 2; plus strand). Cytogenetic location: 17q23.2.
Variant type: single nucleotide variant.
Coding change: c.1696A>C on transcript NM_005994.4 (MANE Select); coding-DNA position 1696, A replaced by C.
Protein change: p.Met566Leu; replaces methionine 566 with leucine.
Molecular consequence: missense variant.
Genome position (GRCh38, 1-based): chr17:61,408,063, A>C. VCF-style: chr17-61408063-A-C. GRCh37 (hg19) VCF-style: chr17-59485424-A-C.
Other names: short protein forms M566L.
Identifiers: ClinVar variation 4885960 (VCV004885960.2).